The following is an entry in ClinVar:

NM_007254.4(PNKP):c.42C>A (p.Ser14Arg)

Gene: PNKP (polynucleotide kinase 3'-phosphatase; minus strand). Cytogenetic location: 19q13.33.
Variant type: single nucleotide variant.
Coding change: c.42C>A on transcript NM_007254.4 (MANE Select); coding-DNA position 42, C replaced by A.
Protein change: p.Ser14Arg; replaces serine 14 with arginine.
Molecular consequence: missense variant.
Genome position (GRCh38, 1-based): chr19:49,867,163, G>T on the plus strand (C>A on the coding strand, the complement: PNKP is on the minus strand). VCF-style: chr19-49867163-G-T. GRCh37 (hg19) VCF-style: chr19-50370420-G-T.
Other names: c.42C>A (NM_007254.3); short protein forms S14R.
Identifiers: ClinVar variation 1010047 (VCV001010047.42), dbSNP rs751327913, ClinGen allele CA9587096.

ClinVar aggregate classification (germline): Uncertain significance. Review status: criteria provided, multiple submitters, no conflicts (2 of 4 stars). 3 submissions from 3 submitters: Uncertain significance (3). Last evaluated 2026-07-28.

Conditions:
Developmental and epileptic encephalopathy, 12 (DEE12). Identifiers: MedGen C3150988, MONDO:0013389, OMIM 613722.
Inborn genetic diseases. Identifiers: MedGen C0950123, MeSH D030342.

Allele frequency attached by ClinVar (database versions not stated): TOPMed 0.00002.
gnomAD v4.1: 15 of 1,608,754 alleles (0.00093%); highest among the groups gnomAD compares: East Asian, 0.009%; no homozygotes.

Submissions (3):

Ambry Genetics
Classification: Uncertain significance for Inborn genetic diseases. Last evaluated: 2026-07-28. Review status: criteria provided, single submitter. Criteria: Ambry Variant Classification Scheme 2023. Collection method: clinical testing. Allele origin: germline.
Comment: The c.42C>A (p.S14R) alteration is located in exon 2 (coding exon 1) of the PNKP gene. This alteration results from a C to A substitution at nucleotide position 42, causing the serine (S) at amino acid position 14 to be replaced by an arginine (R). Based on data from gnomAD, the A allele has an overall frequency of 0.002% (5/230126) total alleles studied. The highest observed frequency was 0.029% (5/17210) of East Asian alleles. Based on insufficient or conflicting evidence, the clinical significance of this alteration remains unclear.

Labcorp Genetics (formerly Invitae), Labcorp
Classification: Uncertain significance for Developmental and epileptic encephalopathy, 12. Last evaluated: 2024-09-30. Review status: criteria provided, single submitter. Criteria: Invitae Variant Classification Sherloc (09022015). Collection method: clinical testing. Allele origin: germline.
Comment: This sequence change replaces serine, which is neutral and polar, with arginine, which is basic and polar, at codon 14 of the PNKP protein (p.Ser14Arg). The frequency data for this variant in the population databases is considered unreliable, as metrics indicate poor data quality at this position in the gnomAD database. This variant has not been reported in the literature in individuals affected with PNKP-related conditions. ClinVar contains an entry for this variant (Variation ID: 1010047). An algorithm developed to predict the effect of missense changes on protein structure and function (PolyPhen-2) suggests that this variant is likely to be disruptive. In summary, the available evidence is currently insufficient to determine the role of this variant in disease. Therefore, it has been classified as a Variant of Uncertain Significance.

CeGaT Center for Human Genetics Tuebingen
Classification: Uncertain significance. Last evaluated: 2021-03-01. Review status: criteria provided, single submitter. Criteria: CeGaT Center For Human Genetics Tuebingen Variant Classification Criteria Version 2. Collection method: clinical testing. Allele origin: germline. Affected: yes. Observed: 1 variant allele.